The following is an entry in ClinVar:

ClinVar aggregate classification (germline): Likely benign. Review status: criteria provided, multiple submitters, no conflicts (2 of 4 stars). 4 submissions from 4 submitters: Likely benign (3). 1 of the submissions does not count toward it. Last evaluated 2025-04-14.

Conditions:
Hypogonadotropic hypogonadism 7 with or without anosmia (HH7). Also called: GNRHR-Related GnRH Deficiency; HYPOGONADOTROPIC HYPOGONADISM 7 WITHOUT ANOSMIA. Identifiers: Orphanet 432, MedGen C0342384, MONDO:0007794, OMIM 146110.
CHARGE syndrome (CHARGE). Also called: Coloboma, heart anomaly, choanal atresia, retardation, genital and ear anomalies; CHARGE association; Hall-Hittner syndrome; Hittner Hirsch Kreh syndrome; CHARGE ASSOCIATION--COLOBOMA, HEART ANOMALY, CHOANAL ATRESIA, RETARDATION, GENITAL AND EAR ANOMALIES. Identifiers: Orphanet 138, MedGen C0265354, MONDO:0008965.
SEMA3E-related disorder. Also called: SEMA3E-related condition.

Allele frequency attached by ClinVar (database versions not stated): gnomAD exomes 0.00016; 1000 Genomes Project 0.00020; ExAC 0.00021; 1000 Genomes Project 30x 0.00062.
gnomAD v4.1: 109 of 1,613,046 alleles (0.0068%); highest among the groups gnomAD compares: East Asian, 0.18%; no homozygotes.

Submissions (4):

Labcorp Genetics (formerly Invitae), Labcorp
Classification: Likely benign for CHARGE syndrome. Last evaluated: 2025-04-14. Review status: criteria provided, single submitter. Criteria: Invitae Variant Classification Sherloc (09022015). Collection method: clinical testing. Allele origin: germline.

Blueprint Genetics
Classification: Likely benign. Last evaluated: 2024-11-06. Review status: criteria provided, single submitter. Criteria: ACMG Guidelines, 2015. Collection method: clinical testing. Allele origin: germline.

Fulgent Genetics
Classification: Likely benign for Hypogonadotropic hypogonadism 7 with or without anosmia; CHD7-related CHARGE syndrome. Last evaluated: 2021-11-04. Review status: criteria provided, single submitter. Criteria: ACMG Guidelines, 2015. Collection method: clinical testing. Allele origin: unknown.

PreventionGenetics, part of Exact Sciences
Classification: Likely benign for SEMA3E-related condition. Last evaluated: 2023-01-09. Review status: no assertion criteria provided. Collection method: clinical testing. Allele origin: germline. Not counted in ClinVar's aggregate classification.
Comment: This variant is classified as likely benign based on ACMG/AMP sequence variant interpretation guidelines (Richards et al. 2015 PMID: 25741868, with internal and published modifications).

NM_012431.3(SEMA3E):c.1732G>A (p.Val578Ile)

Gene: SEMA3E (semaphorin 3E; minus strand). Cytogenetic location: 7q21.11.
Variant type: single nucleotide variant.
Coding change: c.1732G>A on transcript NM_012431.3 (MANE Select); coding-DNA position 1732, G replaced by A.
Protein change: p.Val578Ile; replaces valine 578 with isoleucine.
Molecular consequence: missense variant.
Genome position (GRCh38, 1-based): chr7:83,386,986, C>T on the plus strand (G>A on the coding strand, the complement: SEMA3E is on the minus strand). VCF-style: chr7-83386986-C-T. GRCh37 (hg19) VCF-style: chr7-83016302-C-T.
Other names: c.1552G>A, p.Val518Ile (NM_001178129.2); c.1732G>A (NM_012431.2); short protein forms V518I, V578I.
Identifiers: ClinVar variation 1546753 (VCV001546753.12), dbSNP rs200779956, ClinGen allele CA4321927.